The following is an entry in ClinVar:

ClinVar aggregate classification (germline): Likely benign (1 of 4 stars; one submission).

Submission:

CeGaT Center for Human Genetics Tuebingen
Classification: Likely benign. Last evaluated: 2025-05-01. Review status: criteria provided, single submitter. Criteria: CeGaT Center For Human Genetics Tuebingen Variant Classification Criteria Version 2. Collection method: clinical testing. Allele origin: germline. Affected: yes. Observed: 1 variant allele.
Comment: CTRB1: BP4, BP7

NM_001906.6(CTRB1):c.243C>T (p.Ser81=)

Gene: CTRB1 (chymotrypsinogen B1; plus strand). Cytogenetic location: 16q23.1.
Variant type: single nucleotide variant.
Coding change: c.243C>T on transcript NM_001906.6 (MANE Select); coding-DNA position 243, C replaced by T.
Protein change: p.Ser81=; no amino-acid change (serine 81 retained).
Molecular consequence: synonymous variant.
Genome position (GRCh38, 1-based): chr16:75,223,147, C>T. VCF-style: chr16-75223147-C-T. GRCh37 (hg19) VCF-style: chr16-75257045-C-T.
Other names: c.243C>T, p.Ser81= (NM_001329190.2).
Identifiers: ClinVar variation 3905086 (VCV003905086.10).